The following is an entry in ClinVar:

ClinVar aggregate classification (germline): Uncertain significance. Review status: reviewed by expert panel (3 of 4 stars). 5 submissions from 5 submitters: Uncertain significance (1). 4 of the submissions do not count toward it. Last evaluated 2019-04-07.

Conditions:
Phenylketonuria (PKU). Also called: Phenylketonuria (PKU); FOLLING DISEASE; OLIGOPHRENIA PHENYLPYRUVICA; Phenylketonurias. Identifiers: Orphanet 716, MedGen C0031485, MONDO:0009861, OMIM 261600. Disease mechanism: loss of function.

Allele frequency attached by ClinVar (database versions not stated): ExAC 0.00001.
gnomAD v4.1: 2 of 1,613,606 alleles (0.00012%); highest among the groups gnomAD compares: Non-Finnish European, 0.00017%; no homozygotes.

Submissions (5):

ClinGen PAH Variant Curation Expert Panel
Classification: Uncertain significance for Phenylketonuria. Last evaluated: 2019-04-07. Review status: reviewed by expert panel. Criteria: ClinGen PAH ACMG Specifications v1. Collection method: curation. Allele origin: germline. Inheritance: Autosomal recessive inheritance.
Comment: A deleterious effect is predicted in SIFT, Polyphen-2, MutationTaster, and REVEL=0.956 (PP3). In summary, this variant meets criteria to be classified as uncertain significance for PAH. PAH-specific ACMG/AMP criteria applied: PP4, PM2, PP3.

3billion
Classification: Likely pathogenic for Phenylketonuria. Last evaluated: 2022-01-03. Review status: criteria provided, single submitter. Criteria: ACMG Guidelines, 2015. Collection method: clinical testing. Allele origin: germline. Affected: yes. Observed: 1 heterozygote. Not counted in ClinVar's aggregate classification.
Comment: The variant is located in a well-established functional domain or exonic hotspot, where pathogenic variants have frequently reported (PM1_M). A different missense change at the same codon has been reported as pathogenic/likely pathogenic with strong evidence (ClinVar ID: VCV000102700,VCV000805818, PM5_M). In silico tool predictions suggest damaging effect of the variant on gene or gene product (REVEL: 0.956, 3CNET: 0.997, PP3_P). A missense variant is a common mechanism associated with Phenylketonuria (PP2_P). It is observed at an extremely low frequency in the gnomAD v2.1.1 dataset (total allele frequency: 0.000004, PM2_M). Therefore, this variant is classified as likely pathogenic according to the recommendation of ACMG/AMP guideline.

Labcorp Genetics (formerly Invitae), Labcorp
Classification: Pathogenic for Phenylketonuria. Last evaluated: 2021-12-24. Review status: criteria provided, single submitter. Criteria: Invitae Variant Classification Sherloc (09022015). Collection method: clinical testing. Allele origin: germline. Not counted in ClinVar's aggregate classification.
Comment: This sequence change replaces alanine, which is neutral and non-polar, with proline, which is neutral and non-polar, at codon 165 of the PAH protein (p.Ala165Pro). This variant is present in population databases (rs199475626, gnomAD 0.0009%). This missense change has been observed in individual(s) with phenylkeonuria (PMID: 26666653). ClinVar contains an entry for this variant (Variation ID: 102701). Advanced modeling of protein sequence and biophysical properties (such as structural, functional, and spatial information, amino acid conservation, physicochemical variation, residue mobility, and thermodynamic stability) performed at Invitae indicates that this missense variant is expected to disrupt PAH protein function. This variant disrupts the p.Ala165 amino acid residue in PAH. Other variant(s) that disrupt this residue have been determined to be pathogenic (PMID: 26666653; Invitae). This suggests that this residue is clinically significant, and that variants that disrupt this residue are likely to be disease-causing. For these reasons, this variant has been classified as Pathogenic.

Counsyl
Classification: Uncertain significance for Phenylketonuria. Last evaluated: 2018-02-14. Review status: no assertion criteria provided. Collection method: clinical testing. Allele origin: unknown. Not counted in ClinVar's aggregate classification.

DeBelle Laboratory for Biochemical Genetics, MUHC/MCH RESEARCH INSTITUTE
No classification provided. Review status: no classification provided. Collection method: not provided. Allele origin: not provided. Not counted in ClinVar's aggregate classification.

Literature cited by the submitters: PubMed 26666653 (cited by 3 submitters); PubMed 1601425 (cited by Counsyl).

NM_000277.3(PAH):c.493G>C (p.Ala165Pro)

Gene: PAH (phenylalanine hydroxylase; minus strand). Cytogenetic location: 12q23.2.
Variant type: single nucleotide variant.
Coding change: c.493G>C on transcript NM_000277.3 (MANE Select); coding-DNA position 493, G replaced by C.
Protein change: p.Ala165Pro; replaces alanine 165 with proline.
Molecular consequence: missense variant.
Genome position (GRCh38, 1-based): chr12:102,866,612, C>G on the plus strand (G>C on the coding strand, the complement: PAH is on the minus strand). VCF-style: chr12-102866612-C-G. GRCh37 (hg19) VCF-style: chr12-103260390-C-G.
Other names: c.493G>C, p.Ala165Pro (NM_001354304.2); short protein forms A165P.
Identifiers: ClinVar variation 102701 (VCV000102701.12), dbSNP rs199475626, ClinGen allele CA229581.